The following is an entry in ClinVar:

ClinVar aggregate classification (germline): Uncertain significance (1 of 4 stars; one submission).

Conditions:
Spastic paraplegia. Identifiers: MedGen C0037772, HP:0001258.

Allele frequency attached by ClinVar (database versions not stated): gnomAD exomes below 0.00001; ExAC 0.00001.
gnomAD v4.1: 1 of 1,614,188 alleles (0.000062%); highest among the groups gnomAD compares: South Asian, 0.0011%; no homozygotes.

Submission:

Labcorp Genetics (formerly Invitae), Labcorp
Classification: Uncertain significance for Spastic paraplegia. Last evaluated: 2022-05-15. Review status: criteria provided, single submitter. Criteria: Invitae Variant Classification Sherloc (09022015). Collection method: clinical testing. Allele origin: germline.
Comment: This sequence change replaces cysteine, which is neutral and slightly polar, with arginine, which is basic and polar, at codon 2407 of the ZFYVE26 protein (p.Cys2407Arg). This variant is present in population databases (rs763758299, gnomAD 0.003%). This variant has not been reported in the literature in individuals affected with ZFYVE26-related conditions. Algorithms developed to predict the effect of missense changes on protein structure and function (SIFT, PolyPhen-2, Align-GVGD) all suggest that this variant is likely to be tolerated. In summary, the available evidence is currently insufficient to determine the role of this variant in disease. Therefore, it has been classified as a Variant of Uncertain Significance.

NM_015346.4(ZFYVE26):c.7219T>C (p.Cys2407Arg)

Gene: ZFYVE26 (zinc finger FYVE-type containing 26; minus strand). Cytogenetic location: 14q24.1.
Variant type: single nucleotide variant.
Coding change: c.7219T>C on transcript NM_015346.4 (MANE Select); coding-DNA position 7219, T replaced by C.
Protein change: p.Cys2407Arg; replaces cysteine 2407 with arginine.
Molecular consequence: missense variant.
Genome position (GRCh38, 1-based): chr14:67,752,496, A>G on the plus strand (T>C on the coding strand, the complement: ZFYVE26 is on the minus strand). VCF-style: chr14-67752496-A-G. GRCh37 (hg19) VCF-style: chr14-68219213-A-G.
Other names: short protein forms C2407R.
Identifiers: ClinVar variation 1994927 (VCV001994927.1), dbSNP rs763758299, ClinGen allele CA7239019.
Genomic context (GRCh38, chr14:67,752,496, plus strand): 5'-TGAGCAGTTGCTGGATCTCACTGTACTTCTCTTTCTCCACCAACTGGCGGGCAGCTCTGC[A>G]GTAGGTCATGGCAGCATCCAGCTGGAAGTCCTAGAACAGAACACAACATGATGGGCTTAG-3'
Protein context (NP_056161.2, residues 2397-2417): DFQLDAAMTY[Cys2407Arg]RAARQLVEKE